The following is an entry in ClinVar:

ClinVar aggregate classification (germline): Uncertain significance. Review status: criteria provided, multiple submitters, no conflicts (2 of 4 stars). 2 submissions from 2 submitters: Uncertain significance (2). Last evaluated 2025-02-05.

gnomAD v4.1: 10 of 1,612,718 alleles (0.00062%); highest among the groups gnomAD compares: Non-Finnish European, 0.00085%; no homozygotes.

Submissions (2):

GeneDx
Classification: Uncertain significance. Last evaluated: 2025-02-05. Review status: criteria provided, single submitter. Criteria: GeneDx Variant Classification Process June 2021. Collection method: clinical testing. Allele origin: germline. Affected: yes.
Comment: Not observed at significant frequency in large population cohorts (gnomAD); In silico analysis indicates that this missense variant does not alter protein structure/function; Has not been previously published as pathogenic or benign to our knowledge

Ambry Genetics
Classification: Uncertain significance. Last evaluated: 2024-10-04. Review status: criteria provided, single submitter. Criteria: Ambry Variant Classification Scheme 2023. Collection method: clinical testing. Allele origin: germline.

NM_001378328.1(CELSR1):c.6022C>T (p.His2008Tyr)

Gene: CELSR1 (cadherin EGF LAG seven-pass G-type receptor 1; minus strand). Cytogenetic location: 22q13.31.
Variant type: single nucleotide variant.
Coding change: c.6022C>T on transcript NM_001378328.1 (MANE Select); coding-DNA position 6022, C replaced by T.
Protein change: p.His2008Tyr; replaces histidine 2008 with tyrosine.
Molecular consequence: missense variant.
Genome position (GRCh38, 1-based): chr22:46,391,759, G>A on the plus strand (C>T on the coding strand, the complement: CELSR1 is on the minus strand). VCF-style: chr22-46391759-G-A. GRCh37 (hg19) VCF-style: chr22-46787656-G-A.
Other names: c.6022C>T, p.His2008Tyr (NM_014246.4); short protein forms H2008Y.
Identifiers: ClinVar variation 3490075 (VCV003490075.2).